The following is an entry in ClinVar:

ClinVar aggregate classification (germline): Conflicting classifications of pathogenicity. Review status: criteria provided, conflicting classifications (1 of 4 stars). 3 submissions from 3 submitters: Uncertain significance (1); Likely benign (1). 1 of the submissions does not count toward it. Last evaluated 2024-08-28.

Conditions:
SOS2-related disorder. Also called: SOS2-related condition.
Noonan syndrome 9 (NS9). Identifiers: Orphanet 648, MedGen C4225282, MONDO:0014691, OMIM 616559.

Allele frequency attached by ClinVar (database versions not stated): gnomAD 0.00001 and 0.00002; gnomAD exomes 0.00001; TOPMed 0.00002; 1000 Genomes Project 30x 0.00016; 1000 Genomes Project 0.00020.
gnomAD v4.1: 12 of 1,340,730 alleles (0.0009%); highest among the groups gnomAD compares: Admixed American, 0.0057%; no homozygotes.

Submissions (3):

Labcorp Genetics (formerly Invitae), Labcorp
Classification: Likely benign for Noonan syndrome 9. Last evaluated: 2024-08-28. Review status: criteria provided, single submitter. Criteria: Invitae Variant Classification Sherloc (09022015). Collection method: clinical testing. Allele origin: germline.

Phosphorus, Inc.
Classification: Uncertain significance for Noonan syndrome 9. Last evaluated: 2017-08-01. Review status: criteria provided, single submitter. Criteria: ACMG Guidelines, 2015. Collection method: clinical testing. Allele origin: germline. Observed: 1 variant allele.

PreventionGenetics, part of Exact Sciences
Classification: Likely benign for SOS2-related condition. Last evaluated: 2020-10-02. Review status: no assertion criteria provided. Collection method: clinical testing. Allele origin: germline. Not counted in ClinVar's aggregate classification.
Comment: This variant is classified as likely benign based on ACMG/AMP sequence variant interpretation guidelines (Richards et al. 2015 PMID: 25741868, with internal and published modifications).

NM_006939.4(SOS2):c.2161+10A>G

Gene: SOS2 (SOS Ras/Rho guanine nucleotide exchange factor 2; minus strand). Cytogenetic location: 14q21.3.
Variant type: single nucleotide variant.
Coding change: c.2161+10A>G on transcript NM_006939.4 (MANE Select); 10 bases into the intron after coding-DNA position 2161, A replaced by G.
Molecular consequence: intron variant.
Genome position (GRCh38, 1-based): chr14:50,153,060, T>C on the plus strand (A>G on the coding strand, the complement: SOS2 is on the minus strand). VCF-style: chr14-50153060-T-C. GRCh37 (hg19) VCF-style: chr14-50619778-T-C.
Other names: c.2161+10A>G (NM_006939.3).
Identifiers: ClinVar variation 488173 (VCV000488173.12), dbSNP rs201629454, ClinGen allele CA260731650.